The following is an entry in ClinVar:

NM_001394062.1(MACF1):c.6896A>C (p.His2299Pro)

Gene: MACF1 (microtubule actin crosslinking factor 1; plus strand). Cytogenetic location: 1p34.3.
Variant type: single nucleotide variant.
Coding change: c.6896A>C on transcript NM_001394062.1 (MANE Select); coding-DNA position 6896, A replaced by C.
Protein change: p.His2299Pro; replaces histidine 2299 with proline.
Molecular consequence: missense variant. On other transcripts: intron variant (1).
Genome position (GRCh38, 1-based): chr1:39,333,484, A>C. VCF-style: chr1-39333484-A-C. GRCh37 (hg19) VCF-style: chr1-39799156-A-C.
Other names: c.4629+6131A>C (NM_012090.5); short protein forms H2299P.
Identifiers: ClinVar variation 4281032 (VCV004281032.7).

ClinVar aggregate classification (germline): Likely benign (1 of 4 stars; one submission).

gnomAD v4.1: 24 of 1,614,108 alleles (0.0015%); highest among the groups gnomAD compares: Admixed American, 0.025%; no homozygotes.

Submission:

CeGaT Center for Human Genetics Tuebingen
Classification: Likely benign. Last evaluated: 2025-09-01. Review status: criteria provided, single submitter. Criteria: CeGaT Center For Human Genetics Tuebingen Variant Classification Criteria Version 2. Collection method: clinical testing. Allele origin: germline. Affected: yes. Observed: 1 variant allele.
Comment: MACF1: BP4